The following is an entry in ClinVar:

NM_000455.5(STK11):c.1204A>C (p.Thr402Pro)

Gene: STK11 (serine/threonine kinase 11; plus strand). Cytogenetic location: 19p13.3.
Variant type: single nucleotide variant.
Coding change: c.1204A>C on transcript NM_000455.5 (MANE Select); coding-DNA position 1204, A replaced by C.
Protein change: p.Thr402Pro; replaces threonine 402 with proline.
Molecular consequence: missense variant.
Genome position (GRCh38, 1-based): chr19:1,226,549, A>C. VCF-style: chr19-1226549-A-C. GRCh37 (hg19) VCF-style: chr19-1226548-A-C.
Other names: short protein forms T402P.
Identifiers: ClinVar variation 1748309 (VCV001748309.6), dbSNP rs2145436211, ClinGen allele CA402953697.

ClinVar aggregate classification (germline): Conflicting classifications of pathogenicity. Review status: criteria provided, conflicting classifications (1 of 4 stars). 3 submissions from 3 submitters: Uncertain significance (2); Likely benign (1). Last evaluated 2026-07-07.

Conditions:
Hereditary cancer-predisposing syndrome. Also called: Hereditary Cancer Syndrome; Hereditary neoplastic syndrome; Neoplastic Syndromes, Hereditary; Tumor predisposition. Identifiers: Orphanet 140162, MedGen C0027672, MeSH D009386, MONDO:0015356.
Peutz-Jeghers syndrome (PJS). Also called: POLYPOSIS, HAMARTOMATOUS INTESTINAL; POLYPS-AND-SPOTS SYNDROME; Peutz-Jeghers polyposis; Periorificial lentiginosis syndrome. Identifiers: Orphanet 2869, MedGen C0031269, MeSH D010580, MONDO:0008280, OMIM 175200.

gnomAD v4.1: 1 of 1,603,260 alleles (0.000062%); highest among the groups gnomAD compares: Non-Finnish European, 0.000085%; no homozygotes.

Submissions (3):

Ambry Genetics
Classification: Likely benign for Hereditary cancer-predisposing syndrome. Last evaluated: 2026-07-07. Review status: criteria provided, single submitter. Criteria: Ambry Variant Classification Scheme 2023. Collection method: clinical testing. Allele origin: germline.

Labcorp Genetics (formerly Invitae), Labcorp
Classification: Uncertain significance for Peutz-Jeghers syndrome. Last evaluated: 2025-05-07. Review status: criteria provided, single submitter. Criteria: Invitae Variant Classification Sherloc (09022015). Collection method: clinical testing. Allele origin: germline.
Comment: This sequence change replaces threonine, which is neutral and polar, with proline, which is neutral and non-polar, at codon 402 of the STK11 protein (p.Thr402Pro). This variant is not present in population databases (gnomAD no frequency). This variant has not been reported in the literature in individuals affected with STK11-related conditions. ClinVar contains an entry for this variant (Variation ID: 1748309). Invitae Evidence Modeling of protein sequence and biophysical properties (such as structural, functional, and spatial information, amino acid conservation, physicochemical variation, residue mobility, and thermodynamic stability) indicates that this missense variant is not expected to disrupt STK11 protein function with a negative predictive value of 95%. In summary, the available evidence is currently insufficient to determine the role of this variant in disease. Therefore, it has been classified as a Variant of Uncertain Significance.

All of Us Research Program, National Institutes of Health
Classification: Uncertain significance for Peutz-Jeghers syndrome. Last evaluated: 2023-11-30. Review status: criteria provided, single submitter. Criteria: ACMG Guidelines, 2015. Collection method: clinical testing. Allele origin: germline. Inheritance: Autosomal dominant inheritance. Observed: 1 variant allele, 1 heterozygote.
Comment: This study involves interpretation of variants in research participants for the purpose of population health screening. Participant phenotype was not available at the time of variant classification. Additional details can be found in publication PMID: 35346344, PMCID: PMC8962531